The following is an entry in ClinVar:

ClinVar aggregate classification (germline): Uncertain significance. Review status: criteria provided, multiple submitters, no conflicts (2 of 4 stars). 2 submissions from 2 submitters: Uncertain significance (2). Last evaluated 2024-09-03.

Conditions:
Inborn genetic diseases. Identifiers: MedGen C0950123, MeSH D030342.

gnomAD v4.1: 1 of 1,614,226 alleles (0.000062%); highest among the groups gnomAD compares: Non-Finnish European, 0.000085%; no homozygotes.

Submissions (2):

Ambry Genetics
Classification: Uncertain significance for Inborn genetic diseases. Last evaluated: 2024-09-03. Review status: criteria provided, single submitter. Criteria: Ambry Variant Classification Scheme 2023. Collection method: clinical testing. Allele origin: germline.

Labcorp Genetics (formerly Invitae), Labcorp
Classification: Uncertain significance. Last evaluated: 2024-03-01. Review status: criteria provided, single submitter. Criteria: Invitae Variant Classification Sherloc (09022015). Collection method: clinical testing. Allele origin: germline.
Comment: This sequence change replaces histidine, which is basic and polar, with glutamine, which is neutral and polar, at codon 693 of the MTHFD1 protein (p.His693Gln). This variant is not present in population databases (gnomAD no frequency). This variant has not been reported in the literature in individuals affected with MTHFD1-related conditions. ClinVar contains an entry for this variant (Variation ID: 1940957). Advanced modeling of protein sequence and biophysical properties (such as structural, functional, and spatial information, amino acid conservation, physicochemical variation, residue mobility, and thermodynamic stability) performed at Invitae indicates that this missense variant is not expected to disrupt MTHFD1 protein function with a negative predictive value of 80%. In summary, the available evidence is currently insufficient to determine the role of this variant in disease. Therefore, it has been classified as a Variant of Uncertain Significance.

NM_005956.4(MTHFD1):c.2079C>A (p.His693Gln)

Gene: MTHFD1 (methylenetetrahydrofolate dehydrogenase, cyclohydrolase and formyltetrahydrofolate synthetase 1; plus strand). Cytogenetic location: 14q23.3.
Variant type: single nucleotide variant.
Coding change: c.2079C>A on transcript NM_005956.4 (MANE Select); coding-DNA position 2079, C replaced by A.
Protein change: p.His693Gln; replaces histidine 693 with glutamine.
Molecular consequence: missense variant.
Genome position (GRCh38, 1-based): chr14:64,442,345, C>A. VCF-style: chr14-64442345-C-A. GRCh37 (hg19) VCF-style: chr14-64909063-C-A.
Other names: c.2079C>A, p.His693Gln (NM_001364837.1); c.2079C>A (NM_005956.3); short protein forms H693Q.
Identifiers: ClinVar variation 1940957 (VCV001940957.5), dbSNP rs370842781, ClinGen allele CA389999662.